The following is an entry in ClinVar:

NM_000396.4(CTSK):c.830C>T (p.Ala277Val)

Gene: CTSK (cathepsin K; minus strand). Cytogenetic location: 1q21.3.
Variant type: single nucleotide variant.
Coding change: c.830C>T on transcript NM_000396.4 (MANE Select); coding-DNA position 830, C replaced by T.
Protein change: p.Ala277Val; replaces alanine 277 with valine.
Molecular consequence: missense variant.
Genome position (GRCh38, 1-based): chr1:150,799,228, G>A on the plus strand (C>T on the coding strand, the complement: CTSK is on the minus strand). VCF-style: chr1-150799228-G-A. GRCh37 (hg19) VCF-style: chr1-150771704-G-A.
Other names: short protein forms A277V.
Identifiers: ClinVar variation 8423 (VCV000008423.9), dbSNP rs74315304, ClinGen allele CA119611.

ClinVar aggregate classification (germline): Pathogenic. Review status: criteria provided, multiple submitters, no conflicts (2 of 4 stars). 5 submissions from 5 submitters: Pathogenic (2). 3 of the submissions do not count toward it. Last evaluated 2025-01-30.

Conditions:
CTSK-related disorder. Also called: CTSK-related condition.
Pyknodysostosis. Also called: Pycnodysostosis. Identifiers: Orphanet 763, MedGen C0238402, MONDO:0009940, OMIM 265800.

gnomAD v4.1: 16 of 1,612,686 alleles (0.00099%); highest among the groups gnomAD compares: East Asian, 0.011%; no homozygotes.

Submissions (5):

Natera, Inc.
Classification: Pathogenic for Pyknodysostosis. Last evaluated: 2025-01-30. Review status: criteria provided, single submitter. Criteria: Natera Variant Classification Schema (03/2026). Collection method: clinical testing. Allele origin: germline.
Comment: The c.830C>T variant in CTSK is a missense variant predicted to cause substitution of alanine to valine at amino acid 277. This variant is rare in the general population with a frequency below the threshold expected for the associated phenotype(s). This variant has been observed in one or more individuals affected with the associated recessive disease, as either homozygous or compound heterozygous with a second variant (PMID: 19674475, 22822386, 29390266). Additionally, this variant has been observed to segregate in affected family members (PMID: 19674475, 22822386). Computational prediction algorithms indicate this variant is likely to affect gene or protein function. Given the available evidence, this variant is classified as Pathogenic.

Blueprint Genetics
Classification: Pathogenic for CTSK-related disorders. Last evaluated: 2023-08-10. Review status: criteria provided, single submitter. Criteria: ACMG Guidelines, 2015. Collection method: clinical testing. Allele origin: de novo. Affected: yes. Observed: 3 variant alleles.

Counsyl
Classification: Likely pathogenic for Pyknodysostosis. Last evaluated: 2014-05-30. Review status: no assertion criteria provided. Collection method: literature only. Allele origin: unknown. Inheritance: Autosomal recessive inheritance. Not counted in ClinVar's aggregate classification.

OMIM
Classification: Pathogenic for PYCNODYSOSTOSIS. Last evaluated: 1998-04-01. Review status: no assertion criteria provided. Collection method: literature only. Allele origin: germline. Not counted in ClinVar's aggregate classification.

Pathology and Clinical Laboratory Medicine, King Fahad Medical City
Classification: Pathogenic for Pyknodysostosis. Review status: no assertion criteria provided. Criteria: ACMG Guidelines, 2015. Collection method: clinical testing. Allele origin: germline. Affected: yes. Not counted in ClinVar's aggregate classification.

Literature cited by the submitters: PubMed 19674475 (cited by Natera, Inc. and Counsyl); PubMed 22822386 (cited by Natera, Inc. and Counsyl); PubMed 29390266 (cited by Natera, Inc.); PubMed 9529353 (cited by Counsyl and OMIM); PubMed 17397052 (cited by Counsyl); PubMed 10074491 (cited by Counsyl); PubMed 10634420 (cited by Counsyl); PubMed 21569238 (cited by Counsyl); Gelb, B. D., Willner, J. P., Verloes, A., Herens, C., Desnick, R. J. Mutation analysis of pycnodysostosis reveals uniparental disomy of chromosome 1. (Abstract) Am. J. Hum. Genet. 61 (suppl.): A28-only, 1997. (cited by OMIM).